The following is an entry in ClinVar:

ClinVar aggregate classification (germline): Uncertain significance. Review status: criteria provided, multiple submitters, no conflicts (2 of 4 stars). 2 submissions from 2 submitters: Uncertain significance (2). Last evaluated 2025-11-09.

Allele frequency attached by ClinVar (database versions not stated): ExAC 0.00001; gnomAD 0.00001; gnomAD exomes 0.00001; TOPMed 0.00002.
gnomAD v4.1: 36 of 1,497,486 alleles (0.0024%); highest among the groups gnomAD compares: African/African-American, 0.0028%; no homozygotes.

Submissions (2):

Labcorp Genetics (formerly Invitae), Labcorp
Classification: Uncertain significance. Last evaluated: 2025-11-09. Review status: criteria provided, single submitter. Criteria: Invitae Variant Classification Sherloc (09022015). Collection method: clinical testing. Allele origin: germline.
Comment: This sequence change replaces proline, which is neutral and non-polar, with leucine, which is neutral and non-polar, at codon 779 of the MKL1 protein (p.Pro779Leu). This variant is present in population databases (rs750388772, gnomAD 0.004%). This variant has not been reported in the literature in individuals affected with MKL1-related conditions. ClinVar contains an entry for this variant (Variation ID: 1682935). An algorithm developed to predict the effect of missense changes on protein structure and function (PolyPhen-2) suggests that this variant is likely to be tolerated. In summary, the available evidence is currently insufficient to determine the role of this variant in disease. Therefore, it has been classified as a Variant of Uncertain Significance.

Ambry Genetics
Classification: Uncertain significance. Last evaluated: 2023-06-06. Review status: criteria provided, single submitter. Criteria: Ambry Variant Classification Scheme 2023. Collection method: clinical testing. Allele origin: germline.

NM_020831.6(MRTFA):c.2636C>T (p.Pro879Leu)

Gene: MRTFA (myocardin related transcription factor A; minus strand). Cytogenetic location: 22q13.1.
Variant type: single nucleotide variant.
Coding change: c.2636C>T on transcript NM_020831.6 (MANE Select); coding-DNA position 2636, C replaced by T.
Protein change: p.Pro879Leu; replaces proline 879 with leucine.
Molecular consequence: missense variant. On other transcripts: synonymous variant (1).
Genome position (GRCh38, 1-based): chr22:40,411,850, G>A on the plus strand (C>T on the coding strand, the complement: MRTFA is on the minus strand). VCF-style: chr22-40411850-G-A. GRCh37 (hg19) VCF-style: chr22-40807854-G-A.
Other names: c.2336C>T (NM_020831.3); c.2336C>T, p.Pro779Leu (NM_001282660.2); c.2486C>T, p.Pro829Leu (NM_001282661.3); c.2646C>T, p.Pro882= (NM_001282662.3); c.2441C>T, p.Pro814Leu (NM_001318139.2); short protein forms P779L, P814L, P829L, P879L.
Identifiers: ClinVar variation 1682935 (VCV001682935.8), dbSNP rs750388772, ClinGen allele CA10249250.